The following is an entry in ClinVar:

ClinVar aggregate classification (germline): Benign. Review status: criteria provided, multiple submitters, no conflicts (2 of 4 stars). 2 submissions from 2 submitters: Benign (2). Last evaluated 2018-06-16.

Allele frequency attached by ClinVar (database versions not stated): TOPMed 0.33741; gnomAD 0.34716 and 0.35567; 1000 Genomes Project 30x 0.36508; 1000 Genomes Project 0.37141; gnomAD exomes 0.44028.
gnomAD v4.1: 341,432 of 807,278 alleles (42%); highest among the groups gnomAD compares: East Asian, 58%; 77,680 homozygotes.

Submissions (2):

GeneDx
Classification: Benign. Last evaluated: 2018-06-16. Review status: criteria provided, single submitter. Criteria: GeneDx Variant Classification (06012015). Collection method: clinical testing. Allele origin: germline. Affected: yes.
Comment: This variant is considered likely benign or benign based on one or more of the following criteria: it is a conservative change, it occurs at a poorly conserved position in the protein, it is predicted to be benign by multiple in silico algorithms, and/or has population frequency not consistent with disease.

Breakthrough Genomics
Classification: Benign. Review status: criteria provided, single submitter. Criteria: ACMG Guidelines, 2015. Collection method: not provided. Allele origin: germline. Inheritance: Autosomal recessive inheritance. Affected: yes.

NM_000090.4(COL3A1):c.2445+128G>A

Genes: COL3A1 (collagen type III alpha 1 chain; plus strand), LOC126806446 (P300/CBP strongly-dependent group 1 enhancer GRCh37_chr2:189866210-189867409; plus strand). Cytogenetic location: 2q32.2.
Variant type: single nucleotide variant.
Coding change: c.2445+128G>A on transcript NM_000090.4 (MANE Select); 128 bases into the intron after coding-DNA position 2445, G replaced by A.
Molecular consequence: intron variant.
Genome position (GRCh38, 1-based): chr2:189,002,479, G>A. VCF-style: chr2-189002479-G-A. GRCh37 (hg19) VCF-style: chr2-189867205-G-A.
Identifiers: ClinVar variation 674274 (VCV000674274.2), dbSNP rs3106801, ClinGen allele CA11280422.